The following is an entry in ClinVar:

ClinVar aggregate classification (germline): Uncertain significance. Review status: criteria provided, multiple submitters, no conflicts (2 of 4 stars). 2 submissions from 2 submitters: Uncertain significance (2). Last evaluated 2024-12-18.

Submissions (2):

GeneDx
Classification: Uncertain significance. Last evaluated: 2024-12-18. Review status: criteria provided, single submitter. Criteria: GeneDx Variant Classification Process June 2021. Collection method: clinical testing. Allele origin: germline. Affected: yes.
Comment: Not observed at significant frequency in large population cohorts (gnomAD); In silico analysis indicates that this missense variant does not alter protein structure/function; Has not been previously published as pathogenic or benign to our knowledge

Blueprint Genetics
Classification: Uncertain significance. Last evaluated: 2022-03-16. Review status: criteria provided, single submitter. Criteria: ACMG Guidelines, 2015. Collection method: clinical testing. Allele origin: germline.

NM_001368397.1(FRMPD4):c.805C>G (p.Leu269Val)

Gene: FRMPD4 (FERM and PDZ domain containing 4; plus strand). Cytogenetic location: Xp22.2.
Variant type: single nucleotide variant.
Coding change: c.805C>G on transcript NM_001368397.1 (MANE Select); coding-DNA position 805, C replaced by G.
Protein change: p.Leu269Val; replaces leucine 269 with valine.
Molecular consequence: missense variant.
Genome position (GRCh38, 1-based): chrX:12,690,318, C>G. VCF-style: chrX-12690318-C-G. GRCh37 (hg19) VCF-style: chrX-12708437-C-G.
Other names: c.916C>G, p.Leu306Val (NM_001368395.3, NM_001368398.3); c.811C>G, p.Leu271Val (NM_001368396.3); c.796C>G, p.Leu266Val (NM_001368399.3); c.685C>G, p.Leu229Val (NM_001368400.3); c.781C>G, p.Leu261Val (NM_001368401.1, NM_001368402.3); c.805C>G, p.Leu269Val (NM_014728.3); short protein forms L229V, L261V, L266V, L269V, L271V, L306V.
Identifiers: ClinVar variation 3373197 (VCV003373197.3).